The following is an entry in ClinVar:

ClinVar aggregate classification (germline): Uncertain significance (1 of 4 stars; one submission).

Submission:

Women's Health and Genetics/Laboratory Corporation of America, LabCorp
Classification: Uncertain significance. Last evaluated: 2025-12-18. Review status: criteria provided, single submitter. Criteria: LabCorp Variant Classification Summary - May 2015. Collection method: clinical testing. Allele origin: germline.
Comment: Variant summary: ACADVL c.1214A>G (p.Asp405Gly) results in a non-conservative amino acid change in the encoded protein sequence. Algorithms developed to predict the effect of missense changes on protein structure and function all suggest that this variant is likely to be disruptive. The variant was absent in 251472 control chromosomes. The available data on variant occurrences in the general population are insufficient to allow any conclusion about variant significance. To our knowledge, no occurrence of c.1214A>G in individuals affected with ACADVL-related conditions and no experimental evidence demonstrating its impact on protein function have been reported. No submitters have cited clinical-significance assessments for this variant to ClinVar. Based on the evidence outlined above, the variant was classified as uncertain significance.

NM_000018.4(ACADVL):c.1214A>G (p.Asp405Gly)

Gene: ACADVL (acyl-CoA dehydrogenase very long chain; plus strand). Cytogenetic location: 17p13.1.
Variant type: single nucleotide variant.
Coding change: c.1214A>G on transcript NM_000018.4 (MANE Select); coding-DNA position 1214, A replaced by G.
Protein change: p.Asp405Gly; replaces aspartic acid 405 with glycine.
Molecular consequence: missense variant.
Genome position (GRCh38, 1-based): chr17:7,223,675, A>G. VCF-style: chr17-7223675-A-G. GRCh37 (hg19) VCF-style: chr17-7126994-A-G.
Other names: c.1148A>G, p.Asp383Gly (NM_001033859.3); c.1283A>G, p.Asp428Gly (NM_001270447.2); c.986A>G, p.Asp329Gly (NM_001270448.2); short protein forms D329G, D383G, D405G, D428G.
Identifiers: ClinVar variation 4688223 (VCV004688223.1).